The following is an entry in ClinVar:

NM_004082.5(DCTN1):c.2956G>T (p.Asp986Tyr)

Gene: DCTN1 (dynactin subunit 1; minus strand). Cytogenetic location: 2p13.1.
Variant type: single nucleotide variant.
Coding change: c.2956G>T on transcript NM_004082.5 (MANE Select); coding-DNA position 2956, G replaced by T.
Protein change: p.Asp986Tyr; replaces aspartic acid 986 with tyrosine.
Molecular consequence: missense variant. On other transcripts: non-coding transcript variant (1).
Genome position (GRCh38, 1-based): chr2:74,365,588, C>A on the plus strand (G>T on the coding strand, the complement: DCTN1 is on the minus strand). VCF-style: chr2-74365588-C-A. GRCh37 (hg19) VCF-style: chr2-74592715-C-A.
Other names: c.2896G>T, p.Asp966Tyr (NM_001135040.3); c.2554G>T, p.Asp852Tyr (NM_001135041.3, NM_023019.4); c.2845G>T, p.Asp949Tyr (NM_001190836.2); c.2935G>T, p.Asp979Tyr (NM_001190837.2); c.2905G>T, p.Asp969Tyr (NM_001378991.1); c.2887G>T, p.Asp963Tyr (NM_001378992.1); short protein forms D966Y, D969Y, D852Y, D986Y, D963Y, D979Y, D949Y.
Identifiers: ClinVar variation 4782903 (VCV004782903.1).

ClinVar aggregate classification (germline): Uncertain significance (1 of 4 stars; one submission).

Conditions:
Amyotrophic lateral sclerosis type 1 (ALS1). Also called: AMYOTROPHIC LATERAL SCLEROSIS 1, FAMILIAL. Identifiers: Orphanet 803, MedGen C1862939, MONDO:0007103, OMIM 105400.
Neuronopathy, distal hereditary motor, type 7B. Also called: NEURONOPATHY, DISTAL HEREDITARY MOTOR, AUTOSOMAL DOMINANT 14; NEURONOPATHY, DISTAL HEREDITARY MOTOR, HARDING TYPE VIIB; NEUROPATHY, DISTAL HEREDITARY MOTOR, HARDING TYPE VIIB; NEUROPATHY, DISTAL HEREDITARY MOTOR, WITH VOCAL CORD PARALYSIS, HARDING TYPE VIIB; Distal Hereditary Motor Neuronopathy Type 7B (dHMN7B); HMN VIIB. Identifiers: Orphanet 139589, MedGen C1843315, MONDO:0011879, OMIM 607641.
Perry syndrome. Also called: PARKINSONISM WITH ALVEOLAR HYPOVENTILATION AND MENTAL DEPRESSION. Identifiers: Orphanet 178509, MedGen C1868594, MONDO:0008201, OMIM 168605.

Submission:

Labcorp Genetics (formerly Invitae), Labcorp
Classification: Uncertain significance for Amyotrophic lateral sclerosis type 1; Neuronopathy, distal hereditary motor, type 7B; Perry syndrome. Last evaluated: 2025-08-16. Review status: criteria provided, single submitter. Criteria: Invitae Variant Classification Sherloc (09022015). Collection method: clinical testing. Allele origin: germline.
Comment: This sequence change replaces aspartic acid, which is acidic and polar, with tyrosine, which is neutral and polar, at codon 986 of the DCTN1 protein (p.Asp986Tyr). This variant is not present in population databases (gnomAD no frequency). This variant has not been reported in the literature in individuals affected with DCTN1-related conditions. Invitae Evidence Modeling of protein sequence and biophysical properties (such as structural, functional, and spatial information, amino acid conservation, physicochemical variation, residue mobility, and thermodynamic stability) indicates that this missense variant is not expected to disrupt DCTN1 protein function with a negative predictive value of 95%. In summary, the available evidence is currently insufficient to determine the role of this variant in disease. Therefore, it has been classified as a Variant of Uncertain Significance.